The following is an entry in ClinVar:

NM_001267550.2(TTN):c.66488C>T (p.Pro22163Leu)

Genes: TTN (titin; minus strand), TTN-AS1 (TTN antisense RNA 1; plus strand). Cytogenetic location: 2q31.2.
Variant type: single nucleotide variant.
Coding change: c.66488C>T on transcript NM_001267550.2 (MANE Select); coding-DNA position 66488, C replaced by T.
Protein change: p.Pro22163Leu; replaces proline 22163 with leucine.
Molecular consequence: missense variant.
Genome position (GRCh38, 1-based): chr2:178,581,780, G>A on the plus strand (C>T on the coding strand, the complement: TTN is on the minus strand). VCF-style: chr2-178581780-G-A. GRCh37 (hg19) VCF-style: chr2-179446507-G-A.
Other names: c.61565C>T, p.Pro20522Leu (NM_001256850.1); c.39293C>T, p.Pro13098Leu (NM_003319.4); c.58784C>T, p.Pro19595Leu (NM_133378.4); c.39668C>T, p.Pro13223Leu (NM_133432.3); c.39869C>T, p.Pro13290Leu (NM_133437.4); short protein forms P13098L, P22163L, P13290L, P13223L, P19595L, P20522L.
Identifiers: ClinVar variation 805723 (VCV000805723.2), dbSNP rs752183879, ClinGen allele CA1991502.

ClinVar aggregate classification (germline): Uncertain significance. Review status: criteria provided, multiple submitters, no conflicts (2 of 4 stars). 2 submissions from 2 submitters: Uncertain significance (2). Last evaluated 2025-01-03.

Allele frequency attached by ClinVar (database versions not stated): gnomAD exomes below 0.00001 and 0.00001; ExAC 0.00001.
gnomAD v4.1: 4 of 1,599,986 alleles (0.00025%); highest among the groups gnomAD compares: Admixed American, 0.0035%; no homozygotes.

Submissions (2):

GeneDx
Classification: Uncertain significance. Last evaluated: 2025-01-03. Review status: criteria provided, single submitter. Criteria: GeneDx Variant Classification Process June 2021. Collection method: clinical testing. Allele origin: germline. Affected: yes.
Comment: Not observed at significant frequency in large population cohorts (gnomAD); Missense variant in a gene in which most reported pathogenic variants are truncating/loss of function; Has not been previously published as pathogenic or benign to our knowledge

Athena Diagnostics
Classification: Uncertain significance. Last evaluated: 2018-09-14. Review status: criteria provided, single submitter. Criteria: Athena Diagnostics Criteria. Collection method: clinical testing. Allele origin: germline.